The following is an entry in ClinVar:

ClinVar aggregate classification (germline): Pathogenic (1 of 4 stars; one submission).

Submission:

GeneDx
Classification: Pathogenic. Last evaluated: 2014-05-01. Review status: criteria provided, single submitter. Criteria: GeneDx Variant Classification (06012015). Collection method: clinical testing. Allele origin: germline. Affected: yes.
Comment: The c.1047dupC mutation in the JAG1 gene causes a frameshift starting with codon Serine 350, changes this amino acid to a Glutamine residue and creates a premature Stop codon at position 3 of the new reading frame, denoted p.Ser350GlnfsX3. This mutation is predicted to cause loss of normal protein function either through protein truncation or nonsense-mediated mRNA decay. Although this mutation has not been previously reported to our knowledge, its presence is consistent with a diagnosis of Alagille Syndrome. This variant was found in JAG1

NM_000214.3(JAG1):c.1047dup (p.Ser350fs)

Gene: JAG1 (jagged canonical Notch ligand 1; minus strand). Cytogenetic location: 20p12.2.
Variant type: Duplication.
Coding change: c.1047dup on transcript NM_000214.3 (MANE Select); coding-DNA position 1047, one base duplicated (C; older notation c.1047dupC).
Protein change: p.Ser350fs; shifts the reading frame from serine 350.
Molecular consequence: frameshift variant.
Genome position (GRCh38, 1-based): chr20:10,651,654, G duplicated on the plus strand (C on the coding strand, the reverse complement: JAG1 is on the minus strand). VCF-style (leftmost placement, unchanged base first): chr20-10651653-T-TG. GRCh37 (hg19) VCF-style: chr20-10632301-T-TG.
Other names: c.1047dup, p.Ser350fs (LRG_1191t1); short protein forms S350fs.
Identifiers: ClinVar variation 213556 (VCV000213556.1), dbSNP rs863223670, ClinGen allele CA322781.